The following is an entry in ClinVar:

NM_000186.4(CFH):c.3065A>G (p.Tyr1022Cys)

Gene: CFH (complement factor H; plus strand). Cytogenetic location: 1q31.3.
Variant type: single nucleotide variant.
Coding change: c.3065A>G on transcript NM_000186.4 (MANE Select); coding-DNA position 3065, A replaced by G.
Protein change: p.Tyr1022Cys; replaces tyrosine 1022 with cysteine.
Molecular consequence: missense variant.
Genome position (GRCh38, 1-based): chr1:196,741,983, A>G. VCF-style: chr1-196741983-A-G. GRCh37 (hg19) VCF-style: chr1-196711113-A-G.
Other names: short protein forms Y1022C.
Identifiers: ClinVar variation 2129417 (VCV002129417.4), dbSNP rs2529545305, ClinGen allele CA343981731.

ClinVar aggregate classification (germline): Uncertain significance (1 of 4 stars; one submission).

Submission:

Labcorp Genetics (formerly Invitae), Labcorp
Classification: Uncertain significance. Last evaluated: 2025-03-31. Review status: criteria provided, single submitter. Criteria: Invitae Variant Classification Sherloc (09022015). Collection method: clinical testing. Allele origin: germline.
Comment: This sequence change replaces tyrosine, which is neutral and polar, with cysteine, which is neutral and slightly polar, at codon 1022 of the CFH protein (p.Tyr1022Cys). This variant is not present in population databases (gnomAD no frequency). This variant has not been reported in the literature in individuals affected with CFH-related conditions. ClinVar contains an entry for this variant (Variation ID: 2129417). An algorithm developed to predict the effect of missense changes on protein structure and function (PolyPhen-2) suggests that this variant is likely to be disruptive. In summary, the available evidence is currently insufficient to determine the role of this variant in disease. Therefore, it has been classified as a Variant of Uncertain Significance.